The following is an entry in ClinVar:

NM_002350.4(LYN):c.1097G>A (p.Arg366Gln)

Gene: LYN (LYN proto-oncogene, Src family tyrosine kinase; plus strand). Cytogenetic location: 8q12.1.
Variant type: single nucleotide variant.
Coding change: c.1097G>A on transcript NM_002350.4 (MANE Select); coding-DNA position 1097, G replaced by A.
Protein change: p.Arg366Gln; replaces arginine 366 with glutamine.
Molecular consequence: missense variant.
Genome position (GRCh38, 1-based): chr8:55,998,392, G>A. VCF-style: chr8-55998392-G-A. GRCh37 (hg19) VCF-style: chr8-56910951-G-A.
Other names: c.1034G>A, p.Arg345Gln (NM_001111097.3); short protein forms R366Q, R345Q.
Identifiers: ClinVar variation 3680369 (VCV003680369.2).

ClinVar aggregate classification (germline): Uncertain significance (1 of 4 stars; one submission).

gnomAD v4.1: 1 of 1,614,040 alleles (0.000062%); highest among the groups gnomAD compares: Non-Finnish European, 0.000085%; no homozygotes.

Submission:

Labcorp Genetics (formerly Invitae), Labcorp
Classification: Uncertain significance. Last evaluated: 2024-08-19. Review status: criteria provided, single submitter. Criteria: Invitae Variant Classification Sherloc (09022015). Collection method: clinical testing. Allele origin: germline.
Comment: This sequence change replaces arginine, which is basic and polar, with glutamine, which is neutral and polar, at codon 366 of the LYN protein (p.Arg366Gln). This variant is not present in population databases (gnomAD no frequency). This variant has not been reported in the literature in individuals affected with LYN-related conditions. An algorithm developed to predict the effect of missense changes on protein structure and function (PolyPhen-2) suggests that this variant is likely to be disruptive. In summary, the available evidence is currently insufficient to determine the role of this variant in disease. Therefore, it has been classified as a Variant of Uncertain Significance.